The following is an entry in ClinVar:

ClinVar aggregate classification (germline): Uncertain significance (1 of 4 stars; one submission).

Conditions:
Inborn genetic diseases. Identifiers: MedGen C0950123, MeSH D030342.

Submission:

Ambry Genetics
Classification: Uncertain significance for Inborn genetic diseases. Last evaluated: 2024-11-28. Review status: criteria provided, single submitter. Criteria: Ambry Variant Classification Scheme 2023. Collection method: clinical testing. Allele origin: germline.
Comment: The p.N817K variant (also known as c.2451C>G), located in coding exon 12 of the BMPR2 gene, results from a C to G substitution at nucleotide position 2451. The asparagine at codon 817 is replaced by lysine, an amino acid with similar properties. This amino acid position is conserved. In addition, this alteration is predicted to be tolerated by in silico analysis. Based on the available evidence, the clinical significance of this variant remains unclear.

NM_001204.7(BMPR2):c.2451C>G (p.Asn817Lys)

Gene: BMPR2 (bone morphogenetic protein receptor type 2; plus strand). Cytogenetic location: 2q33.2.
Variant type: single nucleotide variant.
Coding change: c.2451C>G on transcript NM_001204.7 (MANE Select); coding-DNA position 2451, C replaced by G.
Protein change: p.Asn817Lys; replaces asparagine 817 with lysine.
Molecular consequence: missense variant.
Genome position (GRCh38, 1-based): chr2:202,556,116, C>G. VCF-style: chr2-202556116-C-G. GRCh37 (hg19) VCF-style: chr2-203420839-C-G.
Other names: short protein forms N817K.
Identifiers: ClinVar variation 3481252 (VCV003481252.1).
Genomic context (GRCh38, chr2:202,556,116, plus strand): 5'-AGAACCTCATGTGGTGACAGTCACCATGAATGGTGTGGCAGGTAGAAACCACAGTGTTAA[C>G]TCCCATGCTGCCACAACCCAATATGCCAATGGGACAGTACTATCTGGCCAAACAACCAAC-3'
Protein context (NP_001195.2, residues 807-827): NGVAGRNHSV[Asn817Lys]SHAATTQYAN